The following is an entry in ClinVar:

ClinVar aggregate classification (germline): Uncertain significance. Review status: criteria provided, multiple submitters, no conflicts (2 of 4 stars). 6 submissions from 5 submitters: Uncertain significance (6). Last evaluated 2024-05-15.

Conditions:
Xeroderma pigmentosum, group F (XPF). Also called: XERODERMA PIGMENTOSUM, COMPLEMENTATION GROUP F; XERODERMA PIGMENTOSUM VI; XP, GROUP F; ERCC4-Related Xeroderma Pigmentosum; XERODERMA PIGMENTOSUM, TYPE F; Xeroderma pigmentosum, type 6. Identifiers: MedGen C0268140, MONDO:0010215, OMIM 278760.
XFE progeroid syndrome (XFEPS). Also called: XPF-ERCC1 PROGEROID SYNDROME. Identifiers: MedGen C1970416, MONDO:0012590, OMIM 610965.
Fanconi anemia complementation group Q. Identifiers: Orphanet 84, MedGen C3808988, MONDO:0014108, OMIM 615272.
Cockayne syndrome. Identifiers: Orphanet 191, MedGen C0009207, MONDO:0016006.

Allele frequency attached by ClinVar (database versions not stated): gnomAD 0.00005 and 0.00006; TOPMed 0.00005; gnomAD exomes 0.00008.

Submissions (6):

St. Jude Molecular Pathology, St. Jude Children's Research Hospital
Classification: Uncertain significance for Fanconi anemia complementation group Q. Last evaluated: 2024-05-15. Review status: criteria provided, single submitter. Criteria: St. Jude Assertion Criteria 2020. Collection method: clinical testing. Allele origin: germline.
Comment: The ERCC4 c.1728A>T (p.Arg576Ser) missense change has a maximum subpopulation frequency of 0.014% in gnomAD v2.1.1. The in silico tool REVEL predicts a benign effect on protein function, but this prediction has not been confirmed by functional studies. This variant has been reported in an individual with serous cystadenoma (PMID: 28767289). The variant has been identified in 1 of 1358 control individuals collected as part of non-cancer studies (PMID: 29641532). This variant has not been reported in individuals with Fanconi anemia or xeroderma pigmentosum. In summary, the evidence currently available is insufficient to determine the clinical significance of this variant. It has therefore been classified as of uncertain significance.

Labcorp Genetics (formerly Invitae), Labcorp
Classification: Uncertain significance for Fanconi anemia complementation group Q; Xeroderma pigmentosum, group F; Cockayne syndrome. Last evaluated: 2023-05-31. Review status: criteria provided, single submitter. Criteria: Invitae Variant Classification Sherloc (09022015). Collection method: clinical testing. Allele origin: germline.
Comment: In summary, the available evidence is currently insufficient to determine the role of this variant in disease. Therefore, it has been classified as a Variant of Uncertain Significance. Advanced modeling of protein sequence and biophysical properties (such as structural, functional, and spatial information, amino acid conservation, physicochemical variation, residue mobility, and thermodynamic stability) performed at Invitae indicates that this missense variant is not expected to disrupt ERCC4 protein function. ClinVar contains an entry for this variant (Variation ID: 317816). This missense change has been observed in individual(s) with serous cystadenoma of the pancreas (PMID: 28767289). This variant is present in population databases (rs765454246, gnomAD 0.01%). This sequence change replaces arginine, which is basic and polar, with serine, which is neutral and polar, at codon 576 of the ERCC4 protein (p.Arg576Ser).

St. Jude Molecular Pathology, St. Jude Children's Research Hospital
Classification: Uncertain significance for Xeroderma pigmentosum, group F. Last evaluated: 2022-03-10. Review status: criteria provided, single submitter. Criteria: St. Jude Assertion Criteria 2020. Collection method: clinical testing. Allele origin: germline.
Comment: The ERCC4 c.1728A>T (p.Arg576Ser) missense change has a maximum subpopulation frequency of 0.014% in gnomAD v2.1.1. Six of seven in silico tools predict a benign effect of this variant on protein function (BP4), but to our knowledge these predictions have not been confirmed by functional assays. This variant has been reported in an individual with serous cystadenoma (PMID: 28767289). The variant has been identified in 1 of 1358 control individuals collected as part of non-cancer studies (PMID: 29641532). To our knowledge, this variant has not been reported in individuals with Fanconi anemia or Xeroderma pigmentosum. In summary, this variant meets criteria to be classified as of uncertain significance based on the ACMG/AMP criteria: BP4.

Fulgent Genetics
Classification: Uncertain significance for Xeroderma pigmentosum, group F; XFE progeroid syndrome; Fanconi anemia complementation group Q. Last evaluated: 2021-09-01. Review status: criteria provided, single submitter. Criteria: ACMG Guidelines, 2015. Collection method: clinical testing. Allele origin: unknown.

Baylor Genetics
Classification: Uncertain significance for Fanconi anemia complementation group Q. Last evaluated: 2020-06-05. Review status: criteria provided, single submitter. Criteria: ACMG Guidelines, 2015. Collection method: clinical testing. Allele origin: unknown. Affected: yes. Study: CSER-TexasKidsCanSeq.
Comment: This variant was determined to be of uncertain significance according to ACMG Guidelines, 2015 [PMID:25741868].

Illumina Laboratory Services, Illumina
Classification: Uncertain significance for Xeroderma pigmentosum, group F. Last evaluated: 2018-01-13. Review status: criteria provided, single submitter. Criteria: ICSL Variant Classification Criteria 13 December 2019. Collection method: clinical testing. Allele origin: germline.

Literature cited by the submitters: PubMed 28767289 (cited by Labcorp Genetics (formerly Invitae), Labcorp).

NM_005236.3(ERCC4):c.1728A>T (p.Arg576Ser)

Gene: ERCC4 (ERCC excision repair 4, endonuclease catalytic subunit; plus strand). Cytogenetic location: 16p13.12.
Variant type: single nucleotide variant.
Coding change: c.1728A>T on transcript NM_005236.3 (MANE Select); coding-DNA position 1728, A replaced by T.
Protein change: p.Arg576Ser; replaces arginine 576 with serine.
Molecular consequence: missense variant.
Genome position (GRCh38, 1-based): chr16:13,935,660, A>T. VCF-style: chr16-13935660-A-T. GRCh37 (hg19) VCF-style: chr16-14029517-A-T.
Other names: short protein forms R576S.
Identifiers: ClinVar variation 317816 (VCV000317816.20), dbSNP rs765454246, ClinGen allele CA7910523.